The following is an entry in ClinVar:

ClinVar aggregate classification (germline): Likely benign. Review status: criteria provided, multiple submitters, no conflicts (2 of 4 stars). 6 submissions from 6 submitters: Likely benign (6). Last evaluated 2026-06-01.

Conditions:
Familial hypercholesterolemia. Also called: Familial hypercholesterolaemia; Familial hypercholesterolemias. Identifiers: MedGen C0020445, MONDO:0005439.
Cardiovascular phenotype. Identifiers: MedGen CN230736.
Hypercholesterolemia, autosomal dominant, type B (FHCL2). Also called: APOB-Related Familial Hypercholesterolemia, Autosomal Dominant; Familial Hypercholesterolemia Type B; Familial hypercholesterolemia 2; Hyperlipoproteinemia Type IIb; APOLIPOPROTEIN B-100, FAMILIAL DEFECTIVE; APOLIPOPROTEIN B-100, FAMILIAL LIGAND-DEFECTIVE. Identifiers: MedGen C1704417, MONDO:0007751, OMIM 144010.
Familial hypobetalipoproteinemia 1. Also called: APOB-Related Familial Hypobetalipoproteinemia; Hypobetalipoproteinemia, normotriglyceridemic; Acanthocytosis with hypobetalipoproteinemia. Identifiers: MedGen C4551990, MONDO:0014252, OMIM 615558.

Allele frequency attached by ClinVar (database versions not stated): ExAC 0.00011; 1000 Genomes Project 30x 0.00016; TOPMed 0.00016; 1000 Genomes Project 0.00020; ESP Exome Variant Server 0.00023.
gnomAD v4.1: 686 of 1,614,110 alleles (0.043%); highest among the groups gnomAD compares: Non-Finnish European, 0.056%; 1 homozygote.

Submissions (6):

CeGaT Center for Human Genetics Tuebingen
Classification: Likely benign. Last evaluated: 2026-06-01. Review status: criteria provided, single submitter. Criteria: CeGaT Center For Human Genetics Tuebingen Variant Classification Criteria Version 2. Collection method: clinical testing. Allele origin: germline. Affected: yes. Observed: 1 variant allele.
Comment: APOB: BP4, BP7

Labcorp Genetics (formerly Invitae), Labcorp
Classification: Likely benign for Familial hypobetalipoproteinemia 1; Hypercholesterolemia, autosomal dominant, type B. Last evaluated: 2026-01-18. Review status: criteria provided, single submitter. Criteria: Invitae Variant Classification Sherloc (09022015). Collection method: clinical testing. Allele origin: germline.

GENinCode PLC
Classification: Likely benign for Familial hypercholesterolemia. Last evaluated: 2025-01-09. Review status: criteria provided, single submitter. Criteria: ACMG Guidelines, 2015. Collection method: clinical testing. Allele origin: germline.
Comment: This is a synonymous (silent) variant that is not predicted to impact splicing and occurs at a nucleotide which is not highly conserved. This variant has been classified as Likely Benign (BP4, BP7).

Blueprint Genetics
Classification: Likely benign. Last evaluated: 2024-09-23. Review status: criteria provided, single submitter. Criteria: ACMG Guidelines, 2015. Collection method: clinical testing. Allele origin: germline.

Ambry Genetics
Classification: Likely benign for Cardiovascular phenotype. Last evaluated: 2022-02-24. Review status: criteria provided, single submitter. Criteria: Ambry Variant Classification Scheme 2023. Collection method: clinical testing. Allele origin: germline.

Quest Diagnostics Nichols Institute San Juan Capistrano
Classification: Likely benign. Last evaluated: 2020-06-23. Review status: criteria provided, single submitter. Criteria: Quest Diagnostics criteria. Collection method: clinical testing. Allele origin: unknown.

NM_000384.3(APOB):c.6021G>C (p.Val2007=)

Gene: APOB (apolipoprotein B; minus strand). Cytogenetic location: 2p24.1.
Variant type: single nucleotide variant.
Coding change: c.6021G>C on transcript NM_000384.3 (MANE Select); coding-DNA position 6021, G replaced by C.
Protein change: p.Val2007=; no amino-acid change (valine 2007 retained).
Molecular consequence: synonymous variant.
Genome position (GRCh38, 1-based): chr2:21,010,847, C>G on the plus strand (G>C on the coding strand, the complement: APOB is on the minus strand). VCF-style: chr2-21010847-C-G. GRCh37 (hg19) VCF-style: chr2-21233719-C-G.
Identifiers: ClinVar variation 477811 (VCV000477811.23), dbSNP rs148252000, ClinGen allele CA062763.